The following is an entry in ClinVar:

ClinVar aggregate classification (germline): Benign. Review status: criteria provided, multiple submitters, no conflicts (2 of 4 stars). 2 submissions from 2 submitters: Benign (2). Last evaluated 2018-01-13.

Conditions:
Occult macular dystrophy (OCMD). Also called: OMD; OCCULT MACULAR DYSTROPHY, SUSCEPTIBILITY TO. Identifiers: Orphanet 247834, MedGen C3150833, MONDO:0013316, OMIM 613587, HP:0030636.

Allele frequency attached by ClinVar (database versions not stated): ESP Exome Variant Server 0.02640; 1000 Genomes Project 0.02935; TOPMed 0.02974; 1000 Genomes Project 30x 0.03232.
gnomAD v4.1: 12,106 of 1,610,856 alleles (0.75%); highest among the groups gnomAD compares: African/African-American, 8.3%; 316 homozygotes.

Submissions (2):

Illumina Laboratory Services, Illumina
Classification: Benign for Occult macular dystrophy. Last evaluated: 2018-01-13. Review status: criteria provided, single submitter. Criteria: ICSL Variant Classification Criteria 13 December 2019. Collection method: clinical testing. Allele origin: germline.
Comment: This variant was observed in the ICSL laboratory as part of a predisposition screen in an ostensibly healthy population. It had not been previously curated by ICSL or reported in the Human Gene Mutation Database (HGMD: prior to June 1st, 2018), and was therefore a candidate for classification through an automated scoring system. Utilizing variant allele frequency, disease prevalence and penetrance estimates, and inheritance mode, an automated score was calculated to assess if this variant is too frequent to cause the disease. Based on the score and internal cut-off values, a variant classified as benign is not then subjected to further curation. The score for this variant resulted in a classification of benign for this disease.

Breakthrough Genomics
Classification: Benign. Review status: criteria provided, single submitter. Criteria: ACMG Guidelines, 2015. Collection method: not provided. Allele origin: germline. Inheritance: Autosomal recessive inheritance. Affected: yes.

NM_178857.6(RP1L1):c.4440G>A (p.Pro1480=)

Gene: RP1L1 (RP1 like 1). Cytogenetic location: 8p23.1.
Variant type: single nucleotide variant.
Coding change: c.4440G>A on transcript NM_178857.6 (MANE Select); coding-DNA position 4440, G replaced by A.
Protein change: p.Pro1480=; no amino-acid change (proline 1480 retained).
Molecular consequence: synonymous variant.
Genome position (GRCh38, 1-based): chr8:10,609,658, C>T on the plus strand (G>A on the coding strand, the complement: RP1L1 is on the minus strand). VCF-style: chr8-10609658-C-T. GRCh37 (hg19) VCF-style: chr8-10467168-C-T.
Identifiers: ClinVar variation 361281 (VCV000361281.6), dbSNP rs76720252, ClinGen allele CA4624025.
Genomic context (GRCh38, chr8:10,609,658, plus strand): 5'-TGCAGCCCCCTGGGTGGGTTGGGCCTGCGTGTGCTCTTGGCCCATCATGGTGGCTCCGGG[C>T]GGCTTTTCCAAACCAGGCTCAAGCTGGGAGCCACTCTGCCTCTCGCTGGCACTTGGGTCC-3'
Protein context (NP_849188.4, residues 1470-1490): GSQLEPGLEK[Pro1480=]PGATMMGQEH